The following is an entry in ClinVar:

ClinVar aggregate classification (germline): Likely pathogenic (1 of 4 stars; one submission).

Conditions:
Retinitis pigmentosa 25 (RP25). Identifiers: Orphanet 791, MedGen C1864446, MONDO:0011272, OMIM 602772.

Submission:

Institute of Human Genetics, University of Leipzig Medical Center
Classification: Likely pathogenic for Retinitis pigmentosa 25. Last evaluated: 2024-03-13. Review status: criteria provided, single submitter. Criteria: ACMG Guidelines, 2015. Collection method: clinical testing. Allele origin: unknown. Inheritance: Autosomal recessive inheritance. Affected: yes.
Comment: Criteria applied: PVS1,PM2_SUP

NM_001142800.2(EYS):c.5958del (p.Thr1987fs)

Gene: EYS (eyes shut homolog; minus strand). Cytogenetic location: 6q12.
Variant type: Deletion.
Coding change: c.5958del on transcript NM_001142800.2 (MANE Select); coding-DNA position 5958, one base deleted (G; older notation c.5958delG).
Protein change: p.Thr1987fs; shifts the reading frame from threonine 1987.
Molecular consequence: frameshift variant.
Genome position (GRCh38, 1-based): chr6:64,388,810, C deleted on the plus strand (G on the coding strand, the reverse complement: EYS is on the minus strand). VCF-style (leftmost placement, unchanged base first): chr6-64388809-TC-T. GRCh37 (hg19) VCF-style: chr6-65098702-TC-T.
Other names: c.5958del, p.Thr1987fs (NM_001292009.2); short protein forms T1987fs.
Identifiers: ClinVar variation 3068463 (VCV003068463.2), dbSNP rs2533088624, ClinGen allele CA2825001469.